The following is an entry in ClinVar:

ClinVar aggregate classification (germline): Likely benign (1 of 4 stars; one submission).

Submission:

CeGaT Center for Human Genetics Tuebingen
Classification: Likely benign. Last evaluated: 2024-07-01. Review status: criteria provided, single submitter. Criteria: CeGaT Center For Human Genetics Tuebingen Variant Classification Criteria Version 2. Collection method: clinical testing. Allele origin: germline. Affected: yes. Observed: 1 variant allele.
Comment: SMC3: PM2:Supporting, BP4, BP7

NM_005445.4(SMC3):c.1893T>C (p.Leu631=)

Gene: SMC3 (structural maintenance of chromosomes 3; plus strand). Cytogenetic location: 10q25.2.
Variant type: single nucleotide variant.
Coding change: c.1893T>C on transcript NM_005445.4 (MANE Select); coding-DNA position 1893, T replaced by C.
Protein change: p.Leu631=; no amino-acid change (leucine 631 retained).
Molecular consequence: synonymous variant.
Genome position (GRCh38, 1-based): chr10:110,593,153, T>C. VCF-style: chr10-110593153-T-C. GRCh37 (hg19) VCF-style: chr10-112352911-T-C.
Identifiers: ClinVar variation 3257494 (VCV003257494.17).